The following is an entry in ClinVar:

ClinVar aggregate classification (germline): Uncertain significance. Review status: criteria provided, multiple submitters, no conflicts (2 of 4 stars). 3 submissions from 3 submitters: Uncertain significance (3). Last evaluated 2025-11-20.

Conditions:
Inborn genetic diseases. Identifiers: MedGen C0950123, MeSH D030342.

Allele frequency attached by ClinVar (database versions not stated): gnomAD 0.00001; gnomAD exomes 0.00001; TOPMed 0.00001; ExAC 0.00002; 1000 Genomes Project 30x 0.00031; 1000 Genomes Project 0.00040.
gnomAD v4.1: 18 of 1,612,906 alleles (0.0011%); highest among the groups gnomAD compares: Middle Eastern, 0.05%; no homozygotes.

Submissions (3):

Ambry Genetics
Classification: Uncertain significance for Inborn genetic diseases. Last evaluated: 2025-11-20. Review status: criteria provided, single submitter. Criteria: Ambry Variant Classification Scheme 2023. Collection method: clinical testing. Allele origin: germline.

Labcorp Genetics (formerly Invitae), Labcorp
Classification: Uncertain significance. Last evaluated: 2025-09-13. Review status: criteria provided, single submitter. Criteria: Invitae Variant Classification Sherloc (09022015). Collection method: clinical testing. Allele origin: germline.
Comment: This sequence change replaces alanine, which is neutral and non-polar, with threonine, which is neutral and polar, at codon 571 of the TRAF3IP1 protein (p.Ala571Thr). This variant is present in population databases (rs189863065, gnomAD 0.01%). This variant has not been reported in the literature in individuals affected with TRAF3IP1-related conditions. ClinVar contains an entry for this variant (Variation ID: 860427). Invitae Evidence Modeling of protein sequence and biophysical properties (such as structural, functional, and spatial information, amino acid conservation, physicochemical variation, residue mobility, and thermodynamic stability) indicates that this missense variant is not expected to disrupt TRAF3IP1 protein function with a negative predictive value of 80%. In summary, the available evidence is currently insufficient to determine the role of this variant in disease. Therefore, it has been classified as a Variant of Uncertain Significance.

Breakthrough Genomics
Classification: Uncertain significance. Review status: criteria provided, single submitter. Criteria: ACMG Guidelines, 2015. Collection method: not provided. Allele origin: germline. Inheritance: Autosomal recessive inheritance. Affected: yes.

NM_015650.4(TRAF3IP1):c.1711G>A (p.Ala571Thr)

Gene: TRAF3IP1 (TRAF3 interacting protein 1; plus strand). Cytogenetic location: 2q37.3.
Variant type: single nucleotide variant.
Coding change: c.1711G>A on transcript NM_015650.4 (MANE Select); coding-DNA position 1711, G replaced by A.
Protein change: p.Ala571Thr; replaces alanine 571 with threonine.
Molecular consequence: missense variant.
Genome position (GRCh38, 1-based): chr2:238,397,480, G>A. VCF-style: chr2-238397480-G-A. GRCh37 (hg19) VCF-style: chr2-239306121-G-A.
Other names: c.1513G>A, p.Ala505Thr (NM_001139490.1); short protein forms A505T, A571T.
Identifiers: ClinVar variation 860427 (VCV000860427.11), dbSNP rs189863065, ClinGen allele CA2198555.